The following is an entry in ClinVar:

NM_001005242.3(PKP2):c.154A>G (p.Lys52Glu)

Gene: PKP2 (plakophilin 2; minus strand). Cytogenetic location: 12p11.21.
Variant type: single nucleotide variant.
Coding change: c.154A>G on transcript NM_001005242.3 (MANE Select); coding-DNA position 154, A replaced by G.
Protein change: p.Lys52Glu; replaces lysine 52 with glutamic acid.
Molecular consequence: missense variant.
Genome position (GRCh38, 1-based): chr12:32,896,578, T>C on the plus strand (A>G on the coding strand, the complement: PKP2 is on the minus strand). VCF-style: chr12-32896578-T-C. GRCh37 (hg19) VCF-style: chr12-33049512-T-C.
Other names: c.154A>G, p.Lys52Glu (NM_004572.4); c.154A>G (NM_004572.3); short protein forms K52E.
Identifiers: ClinVar variation 1023745 (VCV001023745.10), dbSNP rs920017662, ClinGen allele CA235280665.

ClinVar aggregate classification (germline): Uncertain significance. Review status: criteria provided, multiple submitters, no conflicts (2 of 4 stars). 2 submissions from 2 submitters: Uncertain significance (2). Last evaluated 2023-10-28.

Conditions:
Cardiovascular phenotype. Identifiers: MedGen CN230736.
Arrhythmogenic right ventricular dysplasia 9 (ARVD9). Also called: Arrhythmogenic Right Ventricular Dysplasia/Cardiomyopathy 9; ARRHYTHMOGENIC RIGHT VENTRICULAR DYSPLASIA, FAMILIAL, 9. Identifiers: MedGen C1836906, MONDO:0012180, OMIM 609040.

Allele frequency attached by ClinVar (database versions not stated): gnomAD exomes below 0.00001; gnomAD 0.00001; TOPMed 0.00001.
gnomAD v4.1: 2 of 1,590,448 alleles (0.00013%); highest among the groups gnomAD compares: African/African-American, 0.0013%; no homozygotes.

Submissions (2):

Labcorp Genetics (formerly Invitae), Labcorp
Classification: Uncertain significance for Arrhythmogenic right ventricular dysplasia 9. Last evaluated: 2023-10-28. Review status: criteria provided, single submitter. Criteria: Invitae Variant Classification Sherloc (09022015). Collection method: clinical testing. Allele origin: germline.
Comment: This sequence change replaces lysine, which is basic and polar, with glutamic acid, which is acidic and polar, at codon 52 of the PKP2 protein (p.Lys52Glu). This variant is not present in population databases (gnomAD no frequency). This variant has not been reported in the literature in individuals affected with PKP2-related conditions. ClinVar contains an entry for this variant (Variation ID: 1023745). An algorithm developed to predict the effect of missense changes on protein structure and function (PolyPhen-2) suggests that this variant is likely to be disruptive. In summary, the available evidence is currently insufficient to determine the role of this variant in disease. Therefore, it has been classified as a Variant of Uncertain Significance.

Ambry Genetics
Classification: Uncertain significance for Cardiovascular phenotype. Last evaluated: 2022-11-17. Review status: criteria provided, single submitter. Criteria: Ambry Variant Classification Scheme 2023. Collection method: clinical testing. Allele origin: germline.
Comment: The p.K52E variant (also known as c.154A>G), located in coding exon 1 of the PKP2 gene, results from an A to G substitution at nucleotide position 154. The lysine at codon 52 is replaced by glutamic acid, an amino acid with similar properties. This amino acid position is conserved. In addition, the in silico prediction for this alteration is inconclusive. Since supporting evidence is limited at this time, the clinical significance of this alteration remains unclear.